The following is an entry in ClinVar:

NM_024675.4(PALB2):c.2481A>T (p.Thr827=)

Gene: PALB2 (partner and localizer of BRCA2; minus strand). Cytogenetic location: 16p12.2.
Variant type: single nucleotide variant.
Coding change: c.2481A>T on transcript NM_024675.4 (MANE Select); coding-DNA position 2481, A replaced by T.
Protein change: p.Thr827=; no amino-acid change (threonine 827 retained).
Molecular consequence: synonymous variant.
Genome position (GRCh38, 1-based): chr16:23,629,673, T>A on the plus strand (A>T on the coding strand, the complement: PALB2 is on the minus strand). VCF-style: chr16-23629673-T-A. GRCh37 (hg19) VCF-style: chr16-23640994-T-A.
Identifiers: ClinVar variation 230985 (VCV000230985.23), dbSNP rs876658885, ClinGen allele CA10579968.

ClinVar aggregate classification (germline): Benign/Likely benign. Review status: criteria provided, multiple submitters, no conflicts (2 of 4 stars). 7 submissions from 7 submitters: Benign (1); Likely benign (6). Last evaluated 2025-12-03.

Conditions:
Familial cancer of breast. Also called: BREAST CANCER, FAMILIAL; hereditary breast carcinoma; Hereditary breast cancer. Identifiers: Orphanet 227535, MedGen C0346153, MONDO:0016419, OMIM 114480. Disease mechanism: loss of function.
Hereditary cancer-predisposing syndrome. Also called: Neoplastic Syndromes, Hereditary; Tumor predisposition; Hereditary Cancer Syndrome; Hereditary neoplastic syndrome. Identifiers: Orphanet 140162, MedGen C0027672, MeSH D009386, MONDO:0015356.

Allele frequency attached by ClinVar (database versions not stated): TOPMed 0.00001.
gnomAD v4.1: 2 of 1,614,206 alleles (0.00012%); highest among the groups gnomAD compares: Non-Finnish European, 0.000085%; no homozygotes.

Submissions (7):

Labcorp Genetics (formerly Invitae), Labcorp
Classification: Likely benign for Familial cancer of breast. Last evaluated: 2025-12-03. Review status: criteria provided, single submitter. Criteria: Invitae Variant Classification Sherloc (09022015). Collection method: clinical testing. Allele origin: germline.

Myriad Genetics, Inc.
Classification: Benign for Familial cancer of breast. Last evaluated: 2025-01-16. Review status: criteria provided, single submitter. Criteria: Myriad Autosomal Dominant, Autosomal Recessive and X-Linked Classification Criteria (2023). Collection method: clinical testing. Allele origin: unknown.
Comment: This variant is considered benign. This variant is a silent/synonymous amino acid change and it is not expected to impact splicing.

Women's Health and Genetics/Laboratory Corporation of America, LabCorp
Classification: Likely benign. Last evaluated: 2019-08-29. Review status: criteria provided, single submitter. Criteria: LabCorp Variant Classification Summary - May 2015. Collection method: clinical testing. Allele origin: germline.

Color Diagnostics, LLC DBA Color Health
Classification: Likely benign for Hereditary cancer-predisposing syndrome. Last evaluated: 2017-10-27. Review status: criteria provided, single submitter. Criteria: ACMG Guidelines, 2015. Collection method: clinical testing. Allele origin: germline.

Quest Diagnostics Nichols Institute San Juan Capistrano
Classification: Likely benign. Last evaluated: 2016-11-17. Review status: criteria provided, single submitter. Criteria: Quest Diagnostics criteria. Collection method: clinical testing. Allele origin: germline.

GeneDx
Classification: Likely benign. Last evaluated: 2016-02-25. Review status: criteria provided, single submitter. Criteria: GeneDx Variant Classification (06012015). Collection method: clinical testing. Allele origin: germline. Affected: yes.
Comment: This variant is considered likely benign or benign based on one or more of the following criteria: it is a conservative change, it occurs at a poorly conserved position in the protein, it is predicted to be benign by multiple in silico algorithms, and/or has population frequency not consistent with disease.

Ambry Genetics
Classification: Likely benign for Hereditary cancer-predisposing syndrome. Last evaluated: 2015-03-20. Review status: criteria provided, single submitter. Criteria: Ambry Variant Classification Scheme 2023. Collection method: clinical testing. Allele origin: germline.